The following is an entry in ClinVar:

ClinVar aggregate classification (germline): Uncertain significance. Review status: criteria provided, multiple submitters, no conflicts (2 of 4 stars). 2 submissions from 2 submitters: Uncertain significance (2). Last evaluated 2025-02-12.

Conditions:
Inborn genetic diseases. Identifiers: MedGen C0950123, MeSH D030342.

Allele frequency attached by ClinVar (database versions not stated): gnomAD exomes below 0.00001; TOPMed below 0.00001; gnomAD 0.00001.
gnomAD v4.1: 3 of 1,614,034 alleles (0.00019%); highest among the groups gnomAD compares: Non-Finnish European, 0.000085%; no homozygotes.

Submissions (2):

Ambry Genetics
Classification: Uncertain significance for Inborn genetic diseases. Last evaluated: 2025-02-12. Review status: criteria provided, single submitter. Criteria: Ambry Variant Classification Scheme 2023. Collection method: clinical testing. Allele origin: germline.

Labcorp Genetics (formerly Invitae), Labcorp
Classification: Uncertain significance. Last evaluated: 2024-01-31. Review status: criteria provided, single submitter. Criteria: Invitae Variant Classification Sherloc (09022015). Collection method: clinical testing. Allele origin: germline.
Comment: This sequence change replaces threonine, which is neutral and polar, with alanine, which is neutral and non-polar, at codon 1817 of the KMT2A protein (p.Thr1817Ala). This variant is present in population databases (no rsID available, gnomAD 0.01%). This variant has not been reported in the literature in individuals affected with KMT2A-related conditions. Advanced modeling of protein sequence and biophysical properties (such as structural, functional, and spatial information, amino acid conservation, physicochemical variation, residue mobility, and thermodynamic stability) performed at Invitae indicates that this missense variant is not expected to disrupt KMT2A protein function with a negative predictive value of 95%. In summary, the available evidence is currently insufficient to determine the role of this variant in disease. Therefore, it has been classified as a Variant of Uncertain Significance.

NM_001197104.2(KMT2A):c.5449A>G (p.Thr1817Ala)

Gene: KMT2A (lysine methyltransferase 2A; plus strand). Cytogenetic location: 11q23.3.
Variant type: single nucleotide variant.
Coding change: c.5449A>G on transcript NM_001197104.2 (MANE Select); coding-DNA position 5449, A replaced by G.
Protein change: p.Thr1817Ala; replaces threonine 1817 with alanine.
Molecular consequence: missense variant.
Genome position (GRCh38, 1-based): chr11:118,495,785, A>G. VCF-style: chr11-118495785-A-G. GRCh37 (hg19) VCF-style: chr11-118366500-A-G.
Other names: c.5539A>G, p.Thr1847Ala (NM_001412597.1); c.5440A>G, p.Thr1814Ala (NM_005933.4); short protein forms T1814A, T1817A, T1847A.
Identifiers: ClinVar variation 2877545 (VCV002877545.4), dbSNP rs1350646662, ClinGen allele CA382838777.